The following is an entry in ClinVar:

ClinVar aggregate classification (germline): Likely pathogenic (1 of 4 stars; one submission).

Conditions:
Fetal anomalies with a likely genetic cause.

Submission:

Genetics Laboratory, Great Ormond Street Hospital NHS Foundation Trust, North Thames Genomic Laboratory Hub
Classification: Likely pathogenic for Fetal anomalies with a likely genetic cause. Last evaluated: 2026-08-13. Review status: criteria provided, single submitter. Criteria: ACGS Best Practice Guidelines for Variant Classification in Rare Disease 2024 v1.2. Collection method: clinical testing. Allele origin: germline. Affected: yes.
Comment: PM2_moderate, BP4_supporting, PP2_supporting, PS2_strong

NM_006009.4(TUBA1A):c.668C>A (p.Thr223Asn)

Gene: TUBA1A (tubulin alpha 1a; minus strand). Cytogenetic location: 12q13.12.
Variant type: single nucleotide variant.
Coding change: c.668C>A on transcript NM_006009.4 (MANE Select); coding-DNA position 668, C replaced by A.
Protein change: p.Thr223Asn; replaces threonine 223 with asparagine.
Molecular consequence: missense variant.
Genome position (GRCh38, 1-based): chr12:49,185,698, G>T on the plus strand (C>A on the coding strand, the complement: TUBA1A is on the minus strand). VCF-style: chr12-49185698-G-T. GRCh37 (hg19) VCF-style: chr12-49579481-G-T.
Other names: c.668C>A, p.Thr223Asn (NM_001270399.2); c.563C>A, p.Thr188Asn (NM_001270400.2); short protein forms T188N, T223N.
Identifiers: ClinVar variation 5016530 (VCV005016530.1).